The following is an entry in ClinVar:

ClinVar aggregate classification (germline): Uncertain significance (1 of 4 stars; one submission).

Conditions:
Autosomal dominant nonsyndromic hearing loss 2A. Also called: Autosomal dominant nonsyndromic deafness 2A; Deafness, autosomal dominant 2A; DFNA2 Nonsyndromic Hearing Loss. Identifiers: Orphanet 90635, MedGen C2677637, MONDO:0010817, OMIM 600101.

gnomAD v4.1: 5 of 1,613,960 alleles (0.00031%); highest among the groups gnomAD compares: Middle Eastern, 0.016%; no homozygotes.

Submission:

Laboratory of Prof. Karen Avraham, Tel Aviv University
Classification: Uncertain significance for Autosomal dominant nonsyndromic hearing loss 2A. Last evaluated: 2024-12-25. Review status: criteria provided, single submitter. Criteria: ACMG Guidelines, 2015. Collection method: research. Allele origin: germline. Affected: yes. Observed: 1 variant allele.
Comment: The KCNQ4 c.1672G>A:p.(Val558Met) heterozygous variant is extremely rare and predicted deleterious.

NM_004700.4(KCNQ4):c.1672G>A (p.Val558Met)

Gene: KCNQ4 (potassium voltage-gated channel subfamily Q member 4; plus strand). Cytogenetic location: 1p34.2.
Variant type: single nucleotide variant.
Coding change: c.1672G>A on transcript NM_004700.4 (MANE Select); coding-DNA position 1672, G replaced by A.
Protein change: p.Val558Met; replaces valine 558 with methionine.
Molecular consequence: missense variant.
Genome position (GRCh38, 1-based): chr1:40,835,025, G>A. VCF-style: chr1-40835025-G-A. GRCh37 (hg19) VCF-style: chr1-41300697-G-A.
Other names: DFNA2A; c.1510G>A, p.Val504Met (NM_172163.3); short protein forms V504M, V558M.
Identifiers: ClinVar variation 3393397 (VCV003393397.1).
Genomic context (GRCh38, chr1:40,835,025, plus strand): 5'-AGGATTCTCAAGTTCCTGGTGGCCAAAAGGAAATTCAAGGAGACACTGCGACCGTACGAC[G>A]TGAAGGACGTCATTGAGCAGTACTCAGCAGGCCACCTGGACATGCTGGGCCGGATCAAGA-3'
Protein context (NP_004691.2, residues 548-568): KFKETLRPYD[Val558Met]KDVIEQYSAG